The following is an entry in ClinVar:

NM_002472.3(MYH8):c.676G>A (p.Ala226Thr)

Genes: MYH8 (myosin heavy chain 8; minus strand), MYHAS (myosin heavy chain gene cluster antisense RNA; plus strand). Cytogenetic location: 17p13.1.
Variant type: single nucleotide variant.
Coding change: c.676G>A on transcript NM_002472.3 (MANE Select); coding-DNA position 676, G replaced by A.
Protein change: p.Ala226Thr; replaces alanine 226 with threonine.
Molecular consequence: missense variant.
Genome position (GRCh38, 1-based): chr17:10,415,357, C>T on the plus strand (G>A on the coding strand, the complement: MYH8 is on the minus strand). VCF-style: chr17-10415357-C-T. GRCh37 (hg19) VCF-style: chr17-10318674-C-T.
Other names: short protein forms A226T.
Identifiers: ClinVar variation 887498 (VCV000887498.7), dbSNP rs140408926, ClinGen allele CA8388286.

ClinVar aggregate classification (germline): Conflicting classifications of pathogenicity. Review status: criteria provided, conflicting classifications (1 of 4 stars). 3 submissions from 3 submitters: Uncertain significance (1); Likely benign (2). Last evaluated 2024-05-17.

Conditions:
Hecht syndrome (DA7). Also called: MOUTH, INABILITY TO OPEN COMPLETELY, AND SHORT FINGER-FLEXOR TENDONS; Dutch-Kentucky syndrome. Identifiers: Orphanet 3377, MedGen C0265226, MONDO:0008016, OMIM 158300. Disease mechanism: gain of function.

Allele frequency attached by ClinVar (database versions not stated): gnomAD 0.00011 and 0.00013; 1000 Genomes Project 30x 0.00016; gnomAD exomes 0.00017 and 0.00021; 1000 Genomes Project 0.00020; ExAC 0.00021; TOPMed 0.00026.
gnomAD v4.1: 257 of 1,614,146 alleles (0.016%); highest among the groups gnomAD compares: East Asian, 0.25%; 1 homozygote.

Submissions (3):

Blueprint Genetics
Classification: Likely benign. Last evaluated: 2024-05-17. Review status: criteria provided, single submitter. Criteria: ACMG Guidelines, 2015. Collection method: clinical testing. Allele origin: germline.

GeneDx
Classification: Likely benign. Last evaluated: 2021-04-19. Review status: criteria provided, single submitter. Criteria: GeneDx Variant Classification Process June 2021. Collection method: clinical testing. Allele origin: germline. Affected: yes.
Comment: In silico analysis supports that this missense variant has a deleterious effect on protein structure/function; Has not been previously published as pathogenic or benign to our knowledge

Illumina Laboratory Services, Illumina
Classification: Uncertain significance for Hecht syndrome. Last evaluated: 2018-01-13. Review status: criteria provided, single submitter. Criteria: ICSL Variant Classification Criteria 13 December 2019. Collection method: clinical testing. Allele origin: germline.